The following is an entry in ClinVar:

NM_177972.3(TUB):c.607GAG[6] (p.Glu203_Glu205dup)

Genes: TUB (TUB bipartite transcription factor; plus strand), RIC3 (RIC3 acetylcholine receptor chaperone; minus strand). Cytogenetic location: 11p15.4.
Variant type: Microsatellite.
Coding change: c.607GAG[6] on transcript NM_177972.3 (MANE Select); six copies in a row of the 3-base unit GAG starting at c.607; the reference has three copies in a row; three copies, 9 bases duplicated.
Protein change: p.Glu203_Glu205dup.
Molecular consequence: inframe insertion.
Genome position (GRCh38, 1-based): chr11:8,096,726-8,096,734, GAGGAGGAG duplicated. VCF-style (leftmost placement, unchanged base first): chr11-8096725-T-TGAGGAGGAG. GRCh37 (hg19) VCF-style: chr11-8118272-T-TGAGGAGGAG.
Other names: c.772GAG[6], p.Glu258_Glu260dup (NM_003320.5); c.772_780dup (NM_003320.4).
Identifiers: ClinVar variation 854471 (VCV000854471.7), dbSNP rs761443997, ClinGen allele CA5871163.

ClinVar aggregate classification (germline): Uncertain significance (1 of 4 stars; one submission).

Submission:

Labcorp Genetics (formerly Invitae), Labcorp
Classification: Uncertain significance. Last evaluated: 2022-08-08. Review status: criteria provided, single submitter. Criteria: Invitae Variant Classification Sherloc (09022015). Collection method: clinical testing. Allele origin: germline.
Comment: This variant, c.772_780dup, results in the insertion of 3 amino acid(s) of the TUB protein (p.Glu258_Glu260dup), but otherwise preserves the integrity of the reading frame. This variant is present in population databases (rs761443997, gnomAD 0.0009%). This variant has not been reported in the literature in individuals affected with TUB-related conditions. ClinVar contains an entry for this variant (Variation ID: 854471). Experimental studies and prediction algorithms are not available or were not evaluated, and the functional significance of this variant is currently unknown. In summary, the available evidence is currently insufficient to determine the role of this variant in disease. Therefore, it has been classified as a Variant of Uncertain Significance.